The following is an entry in ClinVar:

ClinVar aggregate classification (germline): Likely benign (1 of 4 stars; one submission).

gnomAD v4.1: 31 of 1,614,022 alleles (0.0019%); highest among the groups gnomAD compares: South Asian, 0.033%; no homozygotes.

Submission:

Mayo Clinic Laboratories, Mayo Clinic
Classification: Likely benign. Last evaluated: 2025-08-08. Review status: criteria provided, single submitter. Criteria: ACMG Guidelines, 2015. Collection method: clinical testing. Allele origin: germline. Observed: 1 variant allele.
Comment: BP4, BP7

NM_005276.4(GPD1):c.33C>A (p.Ser11=)

Gene: GPD1 (glycerol-3-phosphate dehydrogenase 1; plus strand). Cytogenetic location: 12q13.12.
Variant type: single nucleotide variant.
Coding change: c.33C>A on transcript NM_005276.4 (MANE Select); coding-DNA position 33, C replaced by A.
Protein change: p.Ser11=; no amino-acid change (serine 11 retained).
Molecular consequence: synonymous variant.
Genome position (GRCh38, 1-based): chr12:50,104,083, C>A. VCF-style: chr12-50104083-C-A. GRCh37 (hg19) VCF-style: chr12-50497866-C-A.
Other names: p.Ser11=; c.33C>A, p.Ser11= (NM_001257199.2).
Identifiers: ClinVar variation 4683754 (VCV004683754.1).